The following is an entry in ClinVar:

NM_000548.5(TSC2):c.*44T>C

Gene: TSC2 (TSC complex subunit 2; plus strand). Cytogenetic location: 16p13.3.
Variant type: single nucleotide variant.
Coding change: c.*44T>C on transcript NM_000548.5 (MANE Select); 44 bases downstream of the stop codon, T replaced by C.
Molecular consequence: 3 prime UTR variant.
Genome position (GRCh38, 1-based): chr16:2,088,654, T>C. VCF-style: chr16-2088654-T-C. GRCh37 (hg19) VCF-style: chr16-2138655-T-C.
Other names: c.*44T>C (NM_001077183.3, NM_001114382.3, NM_001318827.2 and 7 more transcripts).
Identifiers: ClinVar variation 318340 (VCV000318340.6), dbSNP rs188991734, ClinGen allele CA051447.

ClinVar aggregate classification (germline): Likely benign. Review status: criteria provided, multiple submitters, no conflicts (2 of 4 stars). 2 submissions from 2 submitters: Likely benign (2). Last evaluated 2018-01-12.

Conditions:
Tuberous sclerosis syndrome (TSC). Also called: Tuberous Sclerosis Complex; Tuberous sclerosis. Identifiers: Orphanet 805, MedGen C0041341, MONDO:0001734.

Allele frequency attached by ClinVar (database versions not stated): gnomAD 0.00005; ExAC 0.00006; TOPMed 0.00008; gnomAD exomes 0.00012; 1000 Genomes Project 0.00020; 1000 Genomes Project 30x 0.00031.
gnomAD v4.1: 62 of 1,572,804 alleles (0.0039%); highest among the groups gnomAD compares: Admixed American, 0.059%; no homozygotes.

Submissions (2):

Illumina Laboratory Services, Illumina
Classification: Likely benign for Tuberous sclerosis syndrome. Last evaluated: 2018-01-12. Review status: criteria provided, single submitter. Criteria: ICSL Variant Classification Criteria 13 December 2019. Collection method: clinical testing. Allele origin: germline.
Comment: This variant was observed in the ICSL laboratory as part of a predisposition screen in an ostensibly healthy population. It had not been previously curated by ICSL or reported in the Human Gene Mutation Database (HGMD: prior to June 1st, 2018), and was therefore a candidate for classification through an automated scoring system. Utilizing variant allele frequency, disease prevalence and penetrance estimates, and inheritance mode, an automated score was calculated to assess if this variant is too frequent to cause the disease. Based on the score and internal cut-off values, a variant classified as likely benign is not then subjected to further curation. The score for this variant resulted in a classification of likely benign for this disease.

Breakthrough Genomics
Classification: Likely benign. Review status: criteria provided, single submitter. Criteria: ACMG Guidelines, 2015. Collection method: not provided. Allele origin: germline. Inheritance: Autosomal dominant inheritance. Affected: yes.